The following is an entry in ClinVar:

ClinVar aggregate classification (germline): Pathogenic (1 of 4 stars; one submission).

Conditions:
Deficiency of galactokinase. Also called: GALACTOSEMIA II; Galactokinase deficiency with cataracts. Identifiers: Orphanet 352, Orphanet 79237, MedGen C0268155, MONDO:0009255, OMIM 230200.

Submission:

Labcorp Genetics (formerly Invitae), Labcorp
Classification: Pathogenic for Deficiency of galactokinase. Last evaluated: 2026-02-01. Review status: criteria provided, single submitter. Criteria: Invitae Variant Classification Sherloc (09022015). Collection method: clinical testing. Allele origin: germline.
Comment: This sequence change creates a premature translational stop signal (p.Glu284Glyfs*36) in the GALK1 gene. It is expected to result in an absent or disrupted protein product. Loss-of-function variants in GALK1 are known to be pathogenic (PMID: 7670469, 10790206). This variant is not present in population databases (gnomAD no frequency). This premature translational stop signal has been observed in individual(s) with clinical features of galactokinase deficiency galactosemia (PMID: 17517531). This variant is also known as c.850_851insG. Algorithms developed to predict the effect of variants on gene product structure and function are not available or were not evaluated for this variant. Experimental studies have shown that this premature translational stop signal affects GALK1 function (PMID: 17517531). For these reasons, this variant has been classified as Pathogenic.

Literature cited by the submitters: PubMed 7670469; PubMed 10790206; PubMed 17517531.

NM_000154.2(GALK1):c.850dup (p.Glu284fs)

Gene: GALK1 (galactokinase 1; minus strand). Cytogenetic location: 17q25.1.
Variant type: Duplication.
Coding change: c.850dup on transcript NM_000154.2 (MANE Select); coding-DNA position 850, one base duplicated (G; older notation c.850dupG).
Protein change: p.Glu284fs; shifts the reading frame from glutamic acid 284.
Molecular consequence: frameshift variant.
Genome position (GRCh38, 1-based): chr17:75,758,543, C duplicated on the plus strand (G on the coding strand, the reverse complement: GALK1 is on the minus strand); the first of 5 consecutive C bases (chr17:75,758,543-75,758,547); duplicating any one gives the same sequence. VCF-style (leftmost placement, unchanged base first): chr17-75758542-T-TC. GRCh37 (hg19) VCF-style: chr17-73754623-T-TC.
Other names: c.850dup, p.Glu284fs (NM_001381985.1); short protein forms E284fs.
Identifiers: ClinVar variation 4710426 (VCV004710426.1).